The following is an entry in ClinVar:

NM_000310.4(PPT1):c.614_620del (p.Ile205fs)

Gene: PPT1 (palmitoyl-protein thioesterase 1; minus strand). Cytogenetic location: 1p34.2.
Variant type: Deletion.
Coding change: c.614_620del on transcript NM_000310.4 (MANE Select); coding-DNA positions 614 to 620, 7 bases deleted (TAAATCA; older notation c.614_620delTAAATCA).
Protein change: p.Ile205fs; shifts the reading frame from isoleucine 205.
Molecular consequence: frameshift variant.
Genome position (GRCh38, 1-based): chr1:40,080,404-40,080,410, TGATTTA deleted on the plus strand (TAAATCA on the coding strand, the reverse complement: PPT1 is on the minus strand); deleting any 7 consecutive bases within chr1:40,080,404-40,080,411 gives the same sequence; the c. name uses the placement nearest the transcript's 3' end. VCF-style (leftmost placement, unchanged base first): chr1-40080403-CTGATTTA-C. GRCh37 (hg19) VCF-style: chr1-40546075-CTGATTTA-C.
Other names: c.305_311del, p.Ile102fs (NM_001142604.2); c.614_620del, p.Ile205fs (NM_001363695.2); short protein forms I102fs, I205fs.
Identifiers: ClinVar variation 1071260 (VCV001071260.7), dbSNP rs2124474476, ClinGen allele CA2499214704.

ClinVar aggregate classification (germline): Pathogenic (1 of 4 stars; one submission).

Conditions:
Neuronal ceroid lipofuscinosis 1 (CLN1). Also called: CEROID LIPOFUSCINOSIS, NEURONAL, 1, VARIABLE AGE AT ONSET; PPT1-Related Neuronal Ceroid-Lipofuscinosis. Identifiers: Orphanet 228329, MedGen C1850451, MONDO:0009744, OMIM 256730.

Submission:

Labcorp Genetics (formerly Invitae), Labcorp
Classification: Pathogenic for Neuronal ceroid lipofuscinosis 1. Last evaluated: 2022-02-03. Review status: criteria provided, single submitter. Criteria: Invitae Variant Classification Sherloc (09022015). Collection method: clinical testing. Allele origin: germline.
Comment: ClinVar contains an entry for this variant (Variation ID: 1071260). For these reasons, this variant has been classified as Pathogenic. This sequence change creates a premature translational stop signal (p.Ile205Argfs*13) in the PPT1 gene. It is expected to result in an absent or disrupted protein product. Loss-of-function variants in PPT1 are known to be pathogenic (PMID: 10679943, 21990111). This variant is not present in population databases (gnomAD no frequency). This variant has not been reported in the literature in individuals affected with PPT1-related conditions.

Literature cited by the submitters: PubMed 10679943; PubMed 21990111.